The following is an entry in ClinVar:

NM_000152.5(GAA):c.2331+151C>T

Gene: GAA (alpha glucosidase; plus strand). Cytogenetic location: 17q25.3.
Variant type: single nucleotide variant.
Coding change: c.2331+151C>T on transcript NM_000152.5 (MANE Select); 151 bases into the intron after coding-DNA position 2331, C replaced by T.
Molecular consequence: intron variant.
Genome position (GRCh38, 1-based): chr17:80,117,260, C>T. VCF-style: chr17-80117260-C-T. GRCh37 (hg19) VCF-style: chr17-78091059-C-T.
Other names: c.2331+151C>T (NM_001079803.3, NM_001079804.3).
Identifiers: ClinVar variation 1190880 (VCV001190880.4), dbSNP rs111537160, ClinGen allele CA14493328.

ClinVar aggregate classification (germline): Benign/Likely benign. Review status: criteria provided, multiple submitters, no conflicts (2 of 4 stars). 3 submissions from 3 submitters: Benign (1); Likely benign (2). Last evaluated 2026-07-01.

Conditions:
Glycogen storage disease, type II (IOPD). Also called: CARDIOMEGALIA GLYCOGENICA DIFFUSA; GLYCOGENOSIS, GENERALIZED, CARDIAC FORM; GSD II; Glycogen storage disease type 2; Acid maltase deficiency disease; Aglucosidase alfa. Identifiers: Orphanet 365, MedGen C0017921, MONDO:0009290, OMIM 232300.

Allele frequency attached by ClinVar (database versions not stated): 1000 Genomes Project 0.00978; 1000 Genomes Project 30x 0.01015; gnomAD 0.01705 and 0.01712; TOPMed 0.01747.
gnomAD v4.1: 17,142 of 832,710 alleles (2.1%); highest among the groups gnomAD compares: Non-Finnish European, 2.7%; 208 homozygotes.

Submissions (3):

Genomenon, Inc
Classification: Benign for Glycogen storage disease, type II. Last evaluated: 2026-07-01. Review status: criteria provided, single submitter. Criteria: Genomenon Sequence Variant Interpretation Standards - Updated. Collection method: curation. Allele origin: germline. Affected: no.
Comment: GAA c.2331+151C>T is an intronic variant located in intron 16. This variant is present at high allele frequency in population databases. We classify GAA c.2331+151C>T as a benign variant.

GeneDx
Classification: Likely benign. Last evaluated: 2018-06-29. Review status: criteria provided, single submitter. Criteria: GeneDx Variant Classification Process June 2021. Collection method: clinical testing. Allele origin: germline. Affected: yes.

Breakthrough Genomics
Classification: Likely benign. Review status: criteria provided, single submitter. Criteria: ACMG Guidelines, 2015. Collection method: not provided. Allele origin: germline. Inheritance: Autosomal recessive inheritance. Affected: yes.